The following is an entry in ClinVar:

NM_002485.5(NBN):c.59C>G (p.Thr20Ser)

Gene: NBN (nibrin; minus strand). Cytogenetic location: 8q21.3.
Variant type: single nucleotide variant.
Coding change: c.59C>G on transcript NM_002485.5 (MANE Select); coding-DNA position 59, C replaced by G.
Protein change: p.Thr20Ser; replaces threonine 20 with serine.
Molecular consequence: missense variant. On other transcripts: 5 prime UTR variant (1).
Genome position (GRCh38, 1-based): chr8:89,982,834, G>C on the plus strand (C>G on the coding strand, the complement: NBN is on the minus strand). VCF-style: chr8-89982834-G-C. GRCh37 (hg19) VCF-style: chr8-90995062-G-C.
Other names: c.-238C>G (NM_001024688.3); short protein forms T20S.
Identifiers: ClinVar variation 1750959 (VCV001750959.2), dbSNP rs1563584711, ClinGen allele CA371663613.

ClinVar aggregate classification (germline): Uncertain significance (1 of 4 stars; one submission).

Conditions:
Hereditary cancer-predisposing syndrome. Also called: Hereditary Cancer Syndrome; Hereditary neoplastic syndrome; Neoplastic Syndromes, Hereditary; Tumor predisposition. Identifiers: Orphanet 140162, MedGen C0027672, MeSH D009386, MONDO:0015356.

Allele frequency attached by ClinVar (database versions not stated): gnomAD exomes below 0.00001.
gnomAD v4.1: 1 of 1,613,476 alleles (0.000062%); highest among the groups gnomAD compares: Admixed American, 0.0017%; no homozygotes.

Submission:

Ambry Genetics
Classification: Uncertain significance for Hereditary cancer-predisposing syndrome. Last evaluated: 2021-05-12. Review status: criteria provided, single submitter. Criteria: Ambry Variant Classification Scheme 2023. Collection method: clinical testing. Allele origin: germline.
Comment: The p.T20S variant (also known as c.59C>G), located in coding exon 2 of the NBN gene, results from a C to G substitution at nucleotide position 59. The threonine at codon 20 is replaced by serine, an amino acid with similar properties. This amino acid position is not well conserved in available vertebrate species. In addition, this alteration is predicted to be tolerated by in silico analysis. Since supporting evidence is limited at this time, the clinical significance of this alteration remains unclear.